The following is an entry in ClinVar:

NM_005378.6(MYCN):c.847_849del (p.Glu283del)

Gene: MYCN (MYCN proto-oncogene, bHLH transcription factor; plus strand). Cytogenetic location: 2p24.3.
Variant type: Deletion.
Coding change: c.847_849del on transcript NM_005378.6 (MANE Select); coding-DNA positions 847 to 849, 3 bases deleted (GAG; older notation c.847_849delGAG).
Protein change: p.Glu283del; deletes glutamic acid 283.
Molecular consequence: 3 prime UTR variant (on NM_001293233.2).
Genome position (GRCh38, 1-based): chr2:15,945,549-15,945,551, GAG deleted; deleting any 3 consecutive bases within chr2:15,945,548-15,945,551 gives the same sequence; the c. name uses the placement nearest the transcript's 3' end. VCF-style (leftmost placement, unchanged base first): chr2-15945547-TGGA-T. GRCh37 (hg19) VCF-style: chr2-16085669-TGGA-T.
Other names: c.847_849delGAG (NM_005378.6); c.847_849del, p.Glu283del (NM_001293228.2); c.214_216del, p.Glu72del (NM_001293231.2); c.*782_*784del (NM_001293233.2); short protein forms E283del, E72del.
Identifiers: ClinVar variation 4687541 (VCV004687541.1).

ClinVar aggregate classification (germline): Uncertain significance (1 of 4 stars; one submission).

Submission:

Women's Health and Genetics/Laboratory Corporation of America, LabCorp
Classification: Uncertain significance. Last evaluated: 2025-10-06. Review status: criteria provided, single submitter. Criteria: LabCorp Variant Classification Summary - May 2015. Collection method: clinical testing. Allele origin: germline.
Comment: Variant summary: MYCN c.847_849delGAG (p.Glu283del) results in an in-frame deletion that is predicted to remove one amino acid from the encoded protein. The variant allele was found at a frequency of 4e-06 in 251104 control chromosomes (gnomAD). The available data on variant occurrences in the general population are insufficient to allow any conclusion about variant significance. To our knowledge, no occurrence of c.847_849delGAG in individuals affected with MYCN-related conditions and no experimental evidence demonstrating its impact on protein function have been reported. No submitters have cited clinical-significance assessments for this variant to ClinVar. Based on the evidence outlined above, the variant was classified as uncertain significance.